The following is an entry in ClinVar:

NM_177438.3(DICER1):c.5301T>G (p.His1767Gln)

Gene: DICER1 (dicer 1, ribonuclease III; minus strand). Cytogenetic location: 14q32.13.
Variant type: single nucleotide variant.
Coding change: c.5301T>G on transcript NM_177438.3 (MANE Select); coding-DNA position 5301, T replaced by G.
Protein change: p.His1767Gln; replaces histidine 1767 with glutamine.
Molecular consequence: missense variant.
Genome position (GRCh38, 1-based): chr14:95,093,951, A>C on the plus strand (T>G on the coding strand, the complement: DICER1 is on the minus strand). VCF-style: chr14-95093951-A-C. GRCh37 (hg19) VCF-style: chr14-95560288-A-C.
Other names: c.5301T>G, p.His1767Gln (NM_001195573.1, NM_001271282.3, NM_001291628.2 and 1 more transcripts); short protein forms H1767Q.
Identifiers: ClinVar variation 412178 (VCV000412178.10), dbSNP rs1060503656, ClinGen allele CA16614475.

ClinVar aggregate classification (germline): Uncertain significance (1 of 4 stars; one submission).

Conditions:
DICER1-related tumor predisposition. Also called: DICER1-related pleuropulmonary blastoma cancer predisposition syndrome; DICER1 syndrome. Identifiers: Orphanet 284343, MedGen C3839822, MONDO:0100216.

Submission:

Labcorp Genetics (formerly Invitae), Labcorp
Classification: Uncertain significance for DICER1-related tumor predisposition. Last evaluated: 2024-01-14. Review status: criteria provided, single submitter. Criteria: Invitae Variant Classification Sherloc (09022015). Collection method: clinical testing. Allele origin: germline.
Comment: This sequence change replaces histidine, which is basic and polar, with glutamine, which is neutral and polar, at codon 1767 of the DICER1 protein (p.His1767Gln). This variant is not present in population databases (gnomAD no frequency). This variant has not been reported in the literature in individuals affected with DICER1-related conditions. ClinVar contains an entry for this variant (Variation ID: 412178). Advanced modeling of protein sequence and biophysical properties (such as structural, functional, and spatial information, amino acid conservation, physicochemical variation, residue mobility, and thermodynamic stability) performed at Invitae indicates that this missense variant is not expected to disrupt DICER1 protein function with a negative predictive value of 80%. In summary, the available evidence is currently insufficient to determine the role of this variant in disease. Therefore, it has been classified as a Variant of Uncertain Significance.